The following is an entry in ClinVar:

NM_005356.5(LCK):c.486G>A (p.Ser162=)

Gene: LCK (LCK proto-oncogene, Src family tyrosine kinase; plus strand). Cytogenetic location: 1p35.2.
Variant type: single nucleotide variant.
Coding change: c.486G>A on transcript NM_005356.5 (MANE Select); coding-DNA position 486, G replaced by A.
Protein change: p.Ser162=; no amino-acid change (serine 162 retained).
Molecular consequence: synonymous variant.
Genome position (GRCh38, 1-based): chr1:32,275,918, G>A. VCF-style: chr1-32275918-G-A. GRCh37 (hg19) VCF-style: chr1-32741519-G-A.
Other names: c.486G>A, p.Ser162= (NM_001042771.3, NM_001330468.2); c.486G>A (NM_001042771.2).
Identifiers: ClinVar variation 2712338 (VCV002712338.5), dbSNP rs1126767, ClinGen allele CA20231661.

ClinVar aggregate classification (germline): Likely benign. Review status: criteria provided, single submitter (1 of 4 stars). 2 submissions from 2 submitters: Likely benign (1). 1 of the submissions does not count toward it. Last evaluated 2025-12-14.

Conditions:
Severe combined immunodeficiency due to LCK deficiency. Also called: Immunodeficiency 22. Identifiers: Orphanet 280142, MedGen C4014233, MONDO:0014334, OMIM 615758.
LCK-related disorder. Also called: LCK-related condition.

Allele frequency attached by ClinVar (database versions not stated): TOPMed 0.00002; gnomAD 0.00003; ESP Exome Variant Server 0.00008.
gnomAD v4.1: 7 of 1,614,004 alleles (0.00043%); highest among the groups gnomAD compares: African/African-American, 0.0027%; no homozygotes.

Submissions (2):

Labcorp Genetics (formerly Invitae), Labcorp
Classification: Likely benign for Severe combined immunodeficiency due to LCK deficiency. Last evaluated: 2025-12-14. Review status: criteria provided, single submitter. Criteria: Invitae Variant Classification Sherloc (09022015). Collection method: clinical testing. Allele origin: germline.

PreventionGenetics, part of Exact Sciences
Classification: Likely benign for LCK-related condition. Last evaluated: 2019-07-23. Review status: no assertion criteria provided. Collection method: clinical testing. Allele origin: germline. Not counted in ClinVar's aggregate classification.
Comment: This variant is classified as likely benign based on ACMG/AMP sequence variant interpretation guidelines (Richards et al. 2015 PMID: 25741868, with internal and published modifications).